The following is an entry in ClinVar:

NM_004304.5(ALK):c.2915T>C (p.Val972Ala)

Gene: ALK (ALK receptor tyrosine kinase; minus strand). Cytogenetic location: 2p23.2.
Variant type: single nucleotide variant.
Coding change: c.2915T>C on transcript NM_004304.5 (MANE Select); coding-DNA position 2915, T replaced by C.
Protein change: p.Val972Ala; replaces valine 972 with alanine.
Molecular consequence: missense variant.
Genome position (GRCh38, 1-based): chr2:29,227,074, A>G on the plus strand (T>C on the coding strand, the complement: ALK is on the minus strand). VCF-style: chr2-29227074-A-G. GRCh37 (hg19) VCF-style: chr2-29449940-A-G.
Other names: short protein forms V972A.
Identifiers: ClinVar variation 1797622 (VCV001797622.5), dbSNP rs1664022802, ClinGen allele CA346468155.

ClinVar aggregate classification (germline): Uncertain significance. Review status: criteria provided, multiple submitters, no conflicts (2 of 4 stars). 2 submissions from 2 submitters: Uncertain significance (2). Last evaluated 2025-11-19.

Conditions:
Hereditary cancer-predisposing syndrome. Also called: Neoplastic Syndromes, Hereditary; Tumor predisposition; Hereditary neoplastic syndrome; Hereditary Cancer Syndrome. Identifiers: Orphanet 140162, MedGen C0027672, MeSH D009386, MONDO:0015356.
Neuroblastoma, susceptibility to, 3. Also called: ALK-Related Neuroblastic Tumor Susceptibility. Identifiers: Orphanet 635, MedGen C2751681, MONDO:0013083, OMIM 613014.

Allele frequency attached by ClinVar (database versions not stated): gnomAD exomes below 0.00001.
gnomAD v4.1: 1 of 1,614,090 alleles (0.000062%); highest among the groups gnomAD compares: Non-Finnish European, 0.000085%; no homozygotes.

Submissions (2):

Ambry Genetics
Classification: Uncertain significance for Hereditary cancer-predisposing syndrome. Last evaluated: 2025-11-19. Review status: criteria provided, single submitter. Criteria: Ambry Variant Classification Scheme 2023. Collection method: clinical testing. Allele origin: germline.
Comment: The p.V972A variant (also known as c.2915T>C) is located in coding exon 18 of the ALK gene. The valine at codon 972 is replaced by alanine, an amino acid with similar properties. This change occurs in the first base pair of coding exon 18. This amino acid position is conserved. In addition, this alteration is predicted to be tolerated by in silico analysis. Since supporting evidence is limited at this time, the clinical significance of this alteration remains unclear.

Labcorp Genetics (formerly Invitae), Labcorp
Classification: Uncertain significance for Neuroblastoma, susceptibility to, 3. Last evaluated: 2024-12-14. Review status: criteria provided, single submitter. Criteria: Invitae Variant Classification Sherloc (09022015). Collection method: clinical testing. Allele origin: germline.
Comment: This sequence change replaces valine, which is neutral and non-polar, with alanine, which is neutral and non-polar, at codon 972 of the ALK protein (p.Val972Ala). This variant is not present in population databases (gnomAD no frequency). This variant has not been reported in the literature in individuals affected with ALK-related conditions. ClinVar contains an entry for this variant (Variation ID: 1797622). An algorithm developed to predict the effect of missense changes on protein structure and function (PolyPhen-2) suggests that this variant is likely to be disruptive. In summary, the available evidence is currently insufficient to determine the role of this variant in disease. Therefore, it has been classified as a Variant of Uncertain Significance.